The following is an entry in ClinVar:

NM_000540.3(RYR1):c.6548G>A (p.Gly2183Glu)

Gene: RYR1 (ryanodine receptor 1; plus strand). Cytogenetic location: 19q13.2.
Variant type: single nucleotide variant.
Coding change: c.6548G>A on transcript NM_000540.3 (MANE Select); coding-DNA position 6548, G replaced by A.
Protein change: p.Gly2183Glu; replaces glycine 2183 with glutamic acid.
Molecular consequence: missense variant.
Genome position (GRCh38, 1-based): chr19:38,494,625, G>A. VCF-style: chr19-38494625-G-A. GRCh37 (hg19) VCF-style: chr19-38985265-G-A.
Other names: NM_000540.3(RYR1):c.6548G>A; p.Gly2183Glu; NM_001042723.2:c.6548G>A; c.6548G>A, p.Gly2183Glu (NM_001042723.2); short protein forms G2183E.
Identifiers: ClinVar variation 1214008 (VCV001214008.3), dbSNP rs959170123, ClinGen allele CA308102495.
Genomic context (GRCh38, chr19:38,494,625, plus strand): 5'-GCTCGCTGCTCATCGTGCAGATGGGCCCCCAGGAGGAGAACCTCATGATCCAGAGCATCG[G>A]GTGAGACACCGCCCTTCCCCCTTACTTTGCATATCCCCTTGGGTAATGAATACCCTCAGG-3'
Protein context (NP_000531.2, residues 2173-2193): QEENLMIQSI[Gly2183Glu]NIMNNKVFYQ

ClinVar aggregate classification (germline): Uncertain significance (3 of 4 stars; one submission).

Conditions:
Malignant hyperthermia, susceptibility to, 1 (MHS1). Also called: RYR1-Related Malignant Hyperthermia Susceptibility; Anesthesia related hyperthermia; Malignant hyperpyrexia; Fulminating hyperpyrexia; Pharmacogenic myopathy; Malignant hyperthermia suceptibility 1. Identifiers: Orphanet 423, MedGen C2930980, MONDO:0007783, OMIM 145600.

Allele frequency attached by ClinVar (database versions not stated): gnomAD exomes below 0.00001.

Submission:

ClinGen Malignant Hyperthermia Susceptibility Variant Curation Expert Panel, ClinGen
Classification: Uncertain significance for Malignant hyperthermia, susceptibility to, 1. Last evaluated: 2025-08-01. Review status: reviewed by expert panel. Criteria: ClinGen MHS ACMG Specifications V2. Collection method: curation. Allele origin: germline. Inheritance: Autosomal dominant inheritance. Study: ClinGen.
Comment: This pathogenicity assessment is relevant only for malignant hyperthermia susceptibility (MHS) inherited in an autosomal dominant pattern. Variants in RYR1 can also cause other myopathies inherited in an autosomal dominant pattern or in an autosomal recessive pattern. Some of these disorders may predispose individuals to malignant hyperthermia. RYR1 variants may also contribute to a malignant hyperthermia reaction in combination with other genetic and non-genetic factors and the clinician needs to consider such factors in making management decisions. This sequence variant predicts a substitution of glycine with glutamic acid at codon 2183 of the RYR1 protein, p.(Gly2183Glu). This variant was not present in a large population database (gnomAD) at the time this variant was interpreted. This variant has been reported in an individual with a personal or family history of an MH episode and a positive in vitro contracture test (IVCT) or caffeine halothane contracture test (CHCT) result (if the proband was unavailable for testing, a positive diagnostic test result in a mutation-positive relative was counted), PS4_Supporting (PMID:25735680). No functional studies were identified for this variant. This variant resides in a region of RYR1 considered to be a hotspot for pathogenic variants that contribute to MHS, PM1 (PMID: 21118704). A REVEL score of 0.786 supports neither a pathogenic nor a benign status for this variant. This variant has been classified as a Variant of Unknown Significance. Criteria implemented: PS4_supporting, PM1.